The following is an entry in ClinVar:

NM_014712.3(SETD1A):c.1656A>G (p.Ala552=)

Gene: SETD1A (SET domain containing 1A, histone lysine methyltransferase; plus strand). Cytogenetic location: 16p11.2.
Variant type: single nucleotide variant.
Coding change: c.1656A>G on transcript NM_014712.3 (MANE Select); coding-DNA position 1656, A replaced by G.
Protein change: p.Ala552=; no amino-acid change (alanine 552 retained).
Molecular consequence: synonymous variant.
Genome position (GRCh38, 1-based): chr16:30,965,398, A>G. VCF-style: chr16-30965398-A-G. GRCh37 (hg19) VCF-style: chr16-30976719-A-G.
Identifiers: ClinVar variation 3250735 (VCV003250735.18), dbSNP rs1306579185.

ClinVar aggregate classification (germline): Likely benign (1 of 4 stars; one submission).

Allele frequency attached by ClinVar (database versions not stated): gnomAD exomes 0.00001.
gnomAD v4.1: 19 of 1,607,026 alleles (0.0012%); highest among the groups gnomAD compares: Non-Finnish European, 0.0016%; no homozygotes.

Submission:

CeGaT Center for Human Genetics Tuebingen
Classification: Likely benign. Last evaluated: 2024-06-01. Review status: criteria provided, single submitter. Criteria: CeGaT Center For Human Genetics Tuebingen Variant Classification Criteria Version 2. Collection method: clinical testing. Allele origin: germline. Affected: yes. Observed: 1 variant allele.
Comment: SETD1A: BP4, BP7